The following is an entry in ClinVar:

NM_177438.3(DICER1):c.347A>T (p.His116Leu)

Gene: DICER1 (dicer 1, ribonuclease III; minus strand). Cytogenetic location: 14q32.13.
Variant type: single nucleotide variant.
Coding change: c.347A>T on transcript NM_177438.3 (MANE Select); coding-DNA position 347, A replaced by T.
Protein change: p.His116Leu; replaces histidine 116 with leucine.
Molecular consequence: missense variant.
Genome position (GRCh38, 1-based): chr14:95,131,600, T>A on the plus strand (A>T on the coding strand, the complement: DICER1 is on the minus strand). VCF-style: chr14-95131600-T-A. GRCh37 (hg19) VCF-style: chr14-95597937-T-A.
Other names: c.347A>T, p.His116Leu (NM_001195573.1, NM_001271282.3, NM_001291628.2 and 1 more transcripts); short protein forms H116L.
Identifiers: ClinVar variation 972507 (VCV000972507.11), dbSNP rs1893957349, ClinGen allele CA390889271.

ClinVar aggregate classification (germline): Uncertain significance (1 of 4 stars; one submission).

Conditions:
DICER1-related tumor predisposition. Also called: DICER1-related pleuropulmonary blastoma cancer predisposition syndrome; DICER1 syndrome. Identifiers: Orphanet 284343, MedGen C3839822, MONDO:0100216.

Submission:

Labcorp Genetics (formerly Invitae), Labcorp
Classification: Uncertain significance for DICER1-related tumor predisposition. Last evaluated: 2025-01-07. Review status: criteria provided, single submitter. Criteria: Invitae Variant Classification Sherloc (09022015). Collection method: clinical testing. Allele origin: germline.
Comment: This sequence change replaces histidine, which is basic and polar, with leucine, which is neutral and non-polar, at codon 116 of the DICER1 protein (p.His116Leu). This variant is not present in population databases (gnomAD no frequency). This variant has not been reported in the literature in individuals affected with DICER1-related conditions. ClinVar contains an entry for this variant (Variation ID: 972507). Invitae Evidence Modeling of protein sequence and biophysical properties (such as structural, functional, and spatial information, amino acid conservation, physicochemical variation, residue mobility, and thermodynamic stability) indicates that this missense variant is not expected to disrupt DICER1 protein function with a negative predictive value of 95%. Algorithms developed to predict the effect of sequence changes on RNA splicing suggest that this variant may disrupt the consensus splice site. In summary, the available evidence is currently insufficient to determine the role of this variant in disease. Therefore, it has been classified as a Variant of Uncertain Significance.